The following is an entry in ClinVar:

NM_001374736.1(DST):c.16221C>A (p.Ser5407Arg)

Gene: DST (dystonin; minus strand). Cytogenetic location: 6p12.1.
Variant type: single nucleotide variant.
Coding change: c.16221C>A on transcript NM_001374736.1 (MANE Select); coding-DNA position 16221, C replaced by A.
Protein change: p.Ser5407Arg; replaces serine 5407 with arginine.
Molecular consequence: missense variant.
Genome position (GRCh38, 1-based): chr6:56,552,571, G>T on the plus strand (C>A on the coding strand, the complement: DST is on the minus strand). VCF-style: chr6-56552571-G-T. GRCh37 (hg19) VCF-style: chr6-56417369-G-T.
Other names: c.9864C>A, p.Ser3288Arg (NM_001144769.5); c.9450C>A, p.Ser3150Arg (NM_001144770.2); c.16221C>A, p.Ser5407Arg (NM_001374722.1); c.15588C>A, p.Ser5196Arg (NM_001374729.1); c.9330C>A, p.Ser3110Arg (NM_001374730.1, NM_001386100.1, NM_183380.4); c.16248C>A, p.Ser5416Arg (NM_001374734.1); c.8352C>A, p.Ser2784Arg (NM_015548.5); short protein forms S2784R, S3110R, S3150R, S3288R, S5196R, S5407R, S5416R.
Identifiers: ClinVar variation 1060186 (VCV001060186.7), dbSNP rs1023268228, ClinGen allele CA364514094.

ClinVar aggregate classification (germline): Uncertain significance (1 of 4 stars; one submission).

Conditions:
Hereditary sensory and autonomic neuropathy type 6. Also called: HSAN VI; Neuropathy, hereditary sensory and autonomic, type VI. Identifiers: Orphanet 314381, MedGen C3539003, MONDO:0013839, OMIM 614653.
Epidermolysis bullosa simplex 3, localized or generalized intermediate, with BP230 deficiency (EBS3). Also called: Epidermolysis bullosa simplex due to BP230 deficiency; Epidermolysis bullosa simplex, autosomal recessive 2. Identifiers: Orphanet 412181, MedGen C3809470, MONDO:0014180, OMIM 615425.

gnomAD v4.1: 1 of 1,614,008 alleles (0.000062%); no homozygotes.

Submission:

Labcorp Genetics (formerly Invitae), Labcorp
Classification: Uncertain significance for Epidermolysis bullosa simplex 3, localized or generalized intermediate, with BP230 deficiency; Hereditary sensory and autonomic neuropathy type 6. Last evaluated: 2024-02-24. Review status: criteria provided, single submitter. Criteria: Invitae Variant Classification Sherloc (09022015). Collection method: clinical testing. Allele origin: germline.
Comment: The DST gene has multiple clinically relevant transcripts. This variant occurs in alternate transcript NM_015548.4, and corresponds to NM_001723.5:c.*62946C>A in the primary transcript. This sequence change replaces serine, which is neutral and polar, with arginine, which is basic and polar, at codon 2784 of the DST protein (p.Ser2784Arg). This variant is not present in population databases (gnomAD no frequency). This variant has not been reported in the literature in individuals affected with DST-related conditions. Experimental studies and prediction algorithms are not available or were not evaluated, and the functional significance of this variant is currently unknown. In summary, the available evidence is currently insufficient to determine the role of this variant in disease. Therefore, it has been classified as a Variant of Uncertain Significance.